The following is an entry in ClinVar:

NM_021978.4(ST14):c.1027C>T (p.Arg343Cys)

Gene: ST14 (ST14 transmembrane serine protease matriptase; plus strand). Cytogenetic location: 11q24.3.
Variant type: single nucleotide variant.
Coding change: c.1027C>T on transcript NM_021978.4 (MANE Select); coding-DNA position 1027, C replaced by T.
Protein change: p.Arg343Cys; replaces arginine 343 with cysteine.
Molecular consequence: missense variant.
Genome position (GRCh38, 1-based): chr11:130,194,651, C>T. VCF-style: chr11-130194651-C-T. GRCh37 (hg19) VCF-style: chr11-130064546-C-T.
Other names: short protein forms R343C.
Identifiers: ClinVar variation 1696991 (VCV001696991.2), dbSNP rs202179387, ClinGen allele CA6363859.

ClinVar aggregate classification (germline): Uncertain significance (1 of 4 stars; one submission).

Allele frequency attached by ClinVar (database versions not stated): ExAC 0.00005; 1000 Genomes Project 30x 0.00062; 1000 Genomes Project 0.00040.
gnomAD v4.1: 28 of 1,614,170 alleles (0.0017%); highest among the groups gnomAD compares: East Asian, 0.027%; no homozygotes.

Submission:

GeneDx
Classification: Uncertain significance. Last evaluated: 2022-01-13. Review status: criteria provided, single submitter. Criteria: GeneDx Variant Classification Process June 2021. Collection method: clinical testing. Allele origin: germline. Affected: yes.
Comment: Has not been previously published as pathogenic or benign to our knowledge; In silico analysis supports that this missense variant does not alter protein structure/function